The following is an entry in ClinVar:

ClinVar aggregate classification (germline): Pathogenic. Review status: criteria provided, multiple submitters, no conflicts (2 of 4 stars). 2 submissions from 2 submitters: Pathogenic (2). Last evaluated 2025-03-10.

Conditions:
Microcephalic osteodysplastic primordial dwarfism type II (MOPD2). Also called: Microcephalic osteodysplastic primordial dwarfism with tooth abnormalities; MOPD II; OSTEODYSPLASTIC PRIMORDIAL DWARFISM, TYPE II. Identifiers: Orphanet 2637, MedGen C0432246, MONDO:0008872, OMIM 210720.

gnomAD v4.1: 12 of 1,613,908 alleles (0.00074%); highest among the groups gnomAD compares: African/African-American, 0.0013%; no homozygotes.

Submissions (2):

Labcorp Genetics (formerly Invitae), Labcorp
Classification: Pathogenic. Last evaluated: 2025-03-10. Review status: criteria provided, single submitter. Criteria: Invitae Variant Classification Sherloc (09022015). Collection method: clinical testing. Allele origin: germline.
Comment: This sequence change creates a premature translational stop signal (p.Arg2703*) in the PCNT gene. It is expected to result in an absent or disrupted protein product. Loss-of-function variants in PCNT are known to be pathogenic (PMID: 18174396, 22821869). This variant is present in population databases (rs758298374, gnomAD 0.003%). This premature translational stop signal has been observed in individual(s) with microcephalic osteodysplastic primordial dwarfism (PMID: 35568357). ClinVar contains an entry for this variant (Variation ID: 982309). For these reasons, this variant has been classified as Pathogenic.

Department of Medical Genetics, Sanjay Gandhi Post Graduate Institute of Medical Sciences
Classification: Pathogenic for Microcephalic osteodysplastic primordial dwarfism type II. Review status: criteria provided, single submitter. Criteria: ACMG Guidelines, 2015. Collection method: research. Allele origin: germline. Inheritance: Autosomal recessive inheritance. Affected: yes. Observed: 1 compound heterozygote.

Literature cited by the submitters: PubMed 18174396 (cited by Labcorp Genetics (formerly Invitae), Labcorp); PubMed 22821869 (cited by Labcorp Genetics (formerly Invitae), Labcorp); PubMed 35568357 (cited by Labcorp Genetics (formerly Invitae), Labcorp).

NM_006031.6(PCNT):c.8107C>T (p.Arg2703Ter)

Gene: PCNT (pericentrin; plus strand). Cytogenetic location: 21q22.3.
Variant type: single nucleotide variant.
Coding change: c.8107C>T on transcript NM_006031.6 (MANE Select); coding-DNA position 8107, C replaced by T.
Protein change: p.Arg2703Ter; replaces arginine 2703 with a stop codon.
Molecular consequence: nonsense.
Genome position (GRCh38, 1-based): chr21:46,431,571, C>T. VCF-style: chr21-46431571-C-T. GRCh37 (hg19) VCF-style: chr21-47851485-C-T.
Other names: c.7753C>T, p.Arg2585Ter (NM_001315529.2); short protein forms R2585*, R2703*.
Identifiers: ClinVar variation 982309 (VCV000982309.5), dbSNP rs758298374, ClinGen allele CA10080892.
Genomic context (GRCh38, chr21:46,431,571, plus strand): 5'-TATGTGTTTGCTGTCTAGGAGCTGCGGGCGTCTTTGGAGACACAGCGTGCTCAGAGCAGT[C>T]GACTCTGCGTGGCACTGAAACACGAGCAGACGGCCAAGGACAACCTGCAGAAGGAGCTGC-3'